The following is an entry in ClinVar:

ClinVar aggregate classification (germline): Uncertain significance (1 of 4 stars; one submission).

Submission:

Labcorp Genetics (formerly Invitae), Labcorp
Classification: Uncertain significance. Last evaluated: 2024-09-10. Review status: criteria provided, single submitter. Criteria: Invitae Variant Classification Sherloc (09022015). Collection method: clinical testing. Allele origin: germline.
Comment: This sequence change replaces aspartic acid, which is acidic and polar, with tyrosine, which is neutral and polar, at codon 304 of the ATP6AP1 protein (p.Asp304Tyr). This variant is not present in population databases (gnomAD no frequency). This variant has not been reported in the literature in individuals affected with ATP6AP1-related conditions. Invitae Evidence Modeling of protein sequence and biophysical properties (such as structural, functional, and spatial information, amino acid conservation, physicochemical variation, residue mobility, and thermodynamic stability) indicates that this missense variant is not expected to disrupt ATP6AP1 protein function with a negative predictive value of 80%. In summary, the available evidence is currently insufficient to determine the role of this variant in disease. Therefore, it has been classified as a Variant of Uncertain Significance.

NM_001183.6(ATP6AP1):c.910G>T (p.Asp304Tyr)

Gene: ATP6AP1 (ATPase H+ transporting accessory protein 1; plus strand). Cytogenetic location: Xq28.
Variant type: single nucleotide variant.
Coding change: c.910G>T on transcript NM_001183.6 (MANE Select); coding-DNA position 910, G replaced by T.
Protein change: p.Asp304Tyr; replaces aspartic acid 304 with tyrosine.
Molecular consequence: missense variant.
Genome position (GRCh38, 1-based): chrX:154,434,433, G>T. VCF-style: chrX-154434433-G-T. GRCh37 (hg19) VCF-style: chrX-153662779-G-T.
Other names: short protein forms D304Y.
Identifiers: ClinVar variation 3715186 (VCV003715186.2).
Genomic context (GRCh38, chrX:154,434,433, plus strand): 5'-GACCTGACTCCCCTCACCTTTGGGGTGCAGGAACTCAACCTGACTGGCTCCTTCTGGAAT[G>T]ACTCCTTTGCCAGGCAAGGGCACTAGGCTGGGGAGGACTGTGCCACCACAGGTGACCTTC-3'
Protein context (NP_001174.2, residues 294-314): ELNLTGSFWN[Asp304Tyr]SFARLSLTYE